The following is an entry in ClinVar:

ClinVar aggregate classification (germline): Uncertain significance. Review status: criteria provided, multiple submitters, no conflicts (2 of 4 stars). 2 submissions from 2 submitters: Uncertain significance (2). Last evaluated 2025-12-10.

Conditions:
Neurofibromatosis, type 1 (NF1). Also called: NEUROFIBROMATOSIS, TYPE I, SOMATIC; VON RECKLINGHAUSEN DISEASE; Peripheral type neurofibromatosis; Neurofibromatosis, type I. Identifiers: Orphanet 636, MedGen C0027831, MONDO:0018975, OMIM 162200. Disease mechanism: loss of function.
Hereditary cancer-predisposing syndrome. Also called: Neoplastic Syndromes, Hereditary; Hereditary Cancer Syndrome; Tumor predisposition; Hereditary neoplastic syndrome. Identifiers: Orphanet 140162, MedGen C0027672, MeSH D009386, MONDO:0015356.
Cardiovascular phenotype. Identifiers: MedGen CN230736.

Allele frequency attached by ClinVar (database versions not stated): TOPMed 0.00001.

Submissions (2):

Labcorp Genetics (formerly Invitae), Labcorp
Classification: Uncertain significance for Neurofibromatosis, type 1. Last evaluated: 2025-12-10. Review status: criteria provided, single submitter. Criteria: Invitae Variant Classification Sherloc (09022015). Collection method: clinical testing. Allele origin: germline.
Comment: This sequence change replaces histidine, which is basic and polar, with tyrosine, which is neutral and polar, at codon 781 of the NF1 protein (p.His781Tyr). This variant is not present in population databases (gnomAD no frequency). This variant has not been reported in the literature in individuals affected with NF1-related conditions. ClinVar contains an entry for this variant (Variation ID: 1037652). Invitae Evidence Modeling of protein sequence and biophysical properties (such as structural, functional, and spatial information, amino acid conservation, physicochemical variation, residue mobility, and thermodynamic stability) indicates that this missense variant is not expected to disrupt NF1 protein function with a negative predictive value of 95%. In summary, the available evidence is currently insufficient to determine the role of this variant in disease. Therefore, it has been classified as a Variant of Uncertain Significance.

Ambry Genetics
Classification: Uncertain significance for Cardiovascular phenotype; Hereditary cancer-predisposing syndrome. Last evaluated: 2021-08-31. Review status: criteria provided, single submitter. Criteria: Ambry Variant Classification Scheme 2023. Collection method: clinical testing. Allele origin: germline.
Comment: The p.H781Y variant (also known as c.2341C>T), located in coding exon 20 of the NF1 gene, results from a C to T substitution at nucleotide position 2341. The histidine at codon 781 is replaced by tyrosine, an amino acid with similar properties. This amino acid position is well conserved in available vertebrate species. In addition, this alteration is predicted to be tolerated by in silico analysis. Since supporting evidence is limited at this time, the clinical significance of this alteration remains unclear.

NM_001042492.3(NF1):c.2341C>T (p.His781Tyr)

Gene: NF1 (neurofibromin 1; plus strand). Cytogenetic location: 17q11.2.
Variant type: single nucleotide variant.
Coding change: c.2341C>T on transcript NM_001042492.3 (MANE Select); coding-DNA position 2341, C replaced by T.
Protein change: p.His781Tyr; replaces histidine 781 with tyrosine.
Molecular consequence: missense variant.
Genome position (GRCh38, 1-based): chr17:31,227,538, C>T. VCF-style: chr17-31227538-C-T. GRCh37 (hg19) VCF-style: chr17-29554556-C-T.
Other names: c.2341C>T, p.His781Tyr (NM_000267.4); short protein forms H781Y.
Identifiers: ClinVar variation 1037652 (VCV001037652.7), dbSNP rs1443362216, ClinGen allele CA398983061.
Genomic context (GRCh38, chr17:31,227,538, plus strand): 5'-GCTCTAGACTAAGTTGCTTTCAAGTGATAATTGCCTTCATTTTAGGCTTGGGAAGATACA[C>T]ATGCAAAATGGGAACAAGCAACAAAGCTAATCCTTAACTATCCAAAAGCCAAAATGGAAG-3'
Protein context (NP_001035957.1, residues 771-791): AGNTEAWEDT[His781Tyr]AKWEQATKLI